The following is an entry in ClinVar:

ClinVar aggregate classification (germline): Uncertain significance (1 of 4 stars; one submission).

Submission:

GeneDx
Classification: Uncertain significance. Last evaluated: 2025-06-15. Review status: criteria provided, single submitter. Criteria: GeneDx Variant Classification Process June 2021. Collection method: clinical testing. Allele origin: germline. Affected: yes.
Comment: Not observed at significant frequency in large population cohorts (gnomAD); Nonsense variant predicted to result in protein truncation as the last 25 amino acids are lost; Has not been previously published as pathogenic or benign to our knowledge

NM_001130438.3(SPTAN1):c.7359C>G (p.Tyr2453Ter)

Gene: SPTAN1 (spectrin alpha, non-erythrocytic 1; plus strand). Cytogenetic location: 9q34.11.
Variant type: single nucleotide variant.
Coding change: c.7359C>G on transcript NM_001130438.3 (MANE Select); coding-DNA position 7359, C replaced by G.
Protein change: p.Tyr2453Ter; replaces tyrosine 2453 with a stop codon.
Molecular consequence: nonsense.
Genome position (GRCh38, 1-based): chr9:128,633,259, C>G. VCF-style: chr9-128633259-C-G. GRCh37 (hg19) VCF-style: chr9-131395538-C-G.
Other names: c.7284C>G, p.Tyr2428Ter (NM_001195532.2); c.7422C>G, p.Tyr2474Ter (NM_001363759.2); c.7299C>G, p.Tyr2433Ter (NM_001363765.2, NM_001375314.2); c.7446C>G, p.Tyr2482Ter (NM_001375310.1); c.7359C>G, p.Tyr2453Ter (NM_001375311.2); c.7395C>G, p.Tyr2465Ter (NM_001375312.2, NM_001438440.1); c.7341C>G, p.Tyr2447Ter (NM_001375313.1); c.7458C>G, p.Tyr2486Ter (NM_001375318.1); and 6 more; short protein forms Y2422*, Y2427*, Y2428*, Y2433*, Y2442*, Y2447*, Y2448*, Y2449*.
Identifiers: ClinVar variation 4538143 (VCV004538143.1).